The following is an entry in ClinVar:

ClinVar aggregate classification (germline): Uncertain significance. Review status: criteria provided, multiple submitters, no conflicts (2 of 4 stars). 2 submissions from 2 submitters: Uncertain significance (2). Last evaluated 2025-09-07.

Conditions:
Inborn genetic diseases. Identifiers: MedGen C0950123, MeSH D030342.

Submissions (2):

Labcorp Genetics (formerly Invitae), Labcorp
Classification: Uncertain significance. Last evaluated: 2025-09-07. Review status: criteria provided, single submitter. Criteria: Invitae Variant Classification Sherloc (09022015). Collection method: clinical testing. Allele origin: germline.
Comment: This sequence change replaces asparagine, which is neutral and polar, with lysine, which is basic and polar, at codon 345 of the MBD4 protein (p.Asn345Lys). This variant is not present in population databases (gnomAD no frequency). This variant has not been reported in the literature in individuals affected with MBD4-related conditions. ClinVar contains an entry for this variant (Variation ID: 2776355). An algorithm developed to predict the effect of missense changes on protein structure and function outputs the following: PolyPhen-2: "Benign". The lysine amino acid residue is found in multiple mammalian species, which suggests that this missense change does not adversely affect protein function. In summary, the available evidence is currently insufficient to determine the role of this variant in disease. Therefore, it has been classified as a Variant of Uncertain Significance.

Ambry Genetics
Classification: Uncertain significance for Inborn genetic diseases. Last evaluated: 2025-02-21. Review status: criteria provided, single submitter. Criteria: Ambry Variant Classification Scheme 2023. Collection method: clinical testing. Allele origin: germline.
Comment: The p.N345K variant (also known as c.1035C>A), located in coding exon 3 of the MBD4 gene, results from a C to A substitution at nucleotide position 1035. The asparagine at codon 345 is replaced by lysine, an amino acid with similar properties. This amino acid position is conserved. In addition, this alteration is predicted to be tolerated by in silico analysis. Based on the available evidence, the clinical significance of this variant remains unclear.

NM_001276270.2(MBD4):c.1035C>A (p.Asn345Lys)

Gene: MBD4 (methyl-CpG binding domain 4, DNA glycosylase; minus strand). Cytogenetic location: 3q21.3.
Variant type: single nucleotide variant.
Coding change: c.1035C>A on transcript NM_001276270.2 (MANE Select); coding-DNA position 1035, C replaced by A.
Protein change: p.Asn345Lys; replaces asparagine 345 with lysine.
Molecular consequence: missense variant. On other transcripts: intron variant (1).
Genome position (GRCh38, 1-based): chr3:129,436,609, G>T on the plus strand (C>A on the coding strand, the complement: MBD4 is on the minus strand). VCF-style: chr3-129436609-G-T. GRCh37 (hg19) VCF-style: chr3-129155452-G-T.
Other names: c.1035C>A, p.Asn345Lys (NM_001276271.2, NM_001276272.2, NM_003925.3); c.247+1199C>A (NM_001276273.2); short protein forms N345K.
Identifiers: ClinVar variation 2776355 (VCV002776355.4), dbSNP rs748961506, ClinGen allele CA82636060.
Genomic context (GRCh38, chr3:129,436,609, plus strand): 5'-CACAACTTCTACTTTTGTTCCGATTTCTTCAGATTCTAAAAAGGTATCCTCATACTTCTC[G>T]TTGTGTTCTGAGTCTTTGGCTGAACAAAATTTGTTTATGATGCCAGAAGTTTTTTGTTCA-3'
Protein context (NP_001263199.1, residues 335-355): KFCSAKDSEH[Asn345Lys]EKYEDTFLES